The following is an entry in ClinVar:

NM_001364905.1(LRBA):c.4173T>A (p.Asn1391Lys)

Gene: LRBA (LPS responsive beige-like anchor protein; minus strand). Cytogenetic location: 4q31.3.
Variant type: single nucleotide variant.
Coding change: c.4173T>A on transcript NM_001364905.1 (MANE Select); coding-DNA position 4173, T replaced by A.
Protein change: p.Asn1391Lys; replaces asparagine 1391 with lysine.
Molecular consequence: missense variant.
Genome position (GRCh38, 1-based): chr4:150,848,984, A>T on the plus strand (T>A on the coding strand, the complement: LRBA is on the minus strand). VCF-style: chr4-150848984-A-T. GRCh37 (hg19) VCF-style: chr4-151770136-A-T.
Other names: c.4173T>A, p.Asn1391Lys (NM_001199282.3, NM_001367550.1, NM_006726.5); short protein forms N1391K.
Identifiers: ClinVar variation 2080931 (VCV002080931.4), dbSNP rs2546488671, ClinGen allele CA358453571.

ClinVar aggregate classification (germline): Uncertain significance (1 of 4 stars; one submission).

Conditions:
Combined immunodeficiency due to LRBA deficiency. Also called: Common variable immunodeficiency 8, with autoimmunity. Identifiers: Orphanet 445018, MedGen C3553512, MONDO:0013863, OMIM 614700.

Submission:

Labcorp Genetics (formerly Invitae), Labcorp
Classification: Uncertain significance for Combined immunodeficiency due to LRBA deficiency. Last evaluated: 2024-10-17. Review status: criteria provided, single submitter. Criteria: Invitae Variant Classification Sherloc (09022015). Collection method: clinical testing. Allele origin: germline.
Comment: This sequence change replaces asparagine, which is neutral and polar, with lysine, which is basic and polar, at codon 1391 of the LRBA protein (p.Asn1391Lys). This variant is not present in population databases (gnomAD no frequency). This variant has not been reported in the literature in individuals affected with LRBA-related conditions. ClinVar contains an entry for this variant (Variation ID: 2080931). Invitae Evidence Modeling of protein sequence and biophysical properties (such as structural, functional, and spatial information, amino acid conservation, physicochemical variation, residue mobility, and thermodynamic stability) indicates that this missense variant is not expected to disrupt LRBA protein function with a negative predictive value of 80%. In summary, the available evidence is currently insufficient to determine the role of this variant in disease. Therefore, it has been classified as a Variant of Uncertain Significance.